The following is an entry in ClinVar:

ClinVar aggregate classification (germline): Uncertain significance (1 of 4 stars; one submission).

Conditions:
Hereditary cancer-predisposing syndrome. Also called: Hereditary neoplastic syndrome; Neoplastic Syndromes, Hereditary; Tumor predisposition; Hereditary Cancer Syndrome. Identifiers: Orphanet 140162, MedGen C0027672, MeSH D009386, MONDO:0015356.

Submission:

Ambry Genetics
Classification: Uncertain significance for Hereditary cancer-predisposing syndrome. Last evaluated: 2025-08-27. Review status: criteria provided, single submitter. Criteria: Ambry Variant Classification Scheme 2023. Collection method: clinical testing. Allele origin: germline.
Comment: The p.R16S variant (also known as c.48G>C), located in coding exon 2 of the MUTYH gene, results from a G to C substitution at nucleotide position 48. The arginine at codon 16 is replaced by serine, an amino acid with dissimilar properties. This amino acid position is conserved. In addition, this alteration is predicted to be tolerated by in silico analysis. Based on the available evidence, the clinical significance of this variant remains unclear.

NM_001048174.2(MUTYH):c.6G>C (p.Arg2Ser)

Gene: MUTYH (mutY DNA glycosylase; minus strand). Cytogenetic location: 1p34.1.
Variant type: single nucleotide variant.
Coding change: c.6G>C on transcript NM_001048174.2 (MANE Select); coding-DNA position 6, G replaced by C.
Protein change: p.Arg2Ser; replaces arginine 2 with serine.
Molecular consequence: missense variant. On other transcripts: 5 prime UTR variant (7), non-coding transcript variant (7).
Genome position (GRCh38, 1-based): chr1:45,334,500, C>G on the plus strand (G>C on the coding strand, the complement: MUTYH is on the minus strand). VCF-style: chr1-45334500-C-G. GRCh37 (hg19) VCF-style: chr1-45800172-C-G.
Other names: c.6G>C, p.Arg2Ser (NM_001048171.2, NM_001048172.2, NM_001048173.2 and 15 more transcripts); c.48G>C, p.Arg16Ser (NM_001128425.2, NM_001293190.2, NM_001407069.1 and 2 more transcripts); c.-207G>C (NM_001293192.2, NM_001293196.2, NM_001407091.1); c.-266G>C (NM_001350650.2); c.-202G>C (NM_001350651.2, NM_001407082.1); c.-151G>C (NM_001407075.1); c.24G>C, p.Arg8Ser (NM_001407087.1); short protein forms R2S, R8S, R16S.
Identifiers: ClinVar variation 4113685 (VCV004113685.1).